The following is an entry in ClinVar:

NM_005732.4(RAD50):c.3767G>T (p.Arg1256Leu)

Genes: TH2LCRR (T helper type 2 locus control region associated RNA; minus strand), TH2-LCR (Th2 cytokine locus control region; plus strand), RAD50 (RAD50 double strand break repair protein; plus strand). Cytogenetic location: 5q31.1.
Variant type: single nucleotide variant.
Coding change: c.3767G>T on transcript NM_005732.4 (MANE Select); coding-DNA position 3767, G replaced by T.
Protein change: p.Arg1256Leu; replaces arginine 1256 with leucine.
Molecular consequence: missense variant.
Genome position (GRCh38, 1-based): chr5:132,642,192, G>T. VCF-style: chr5-132642192-G-T. GRCh37 (hg19) VCF-style: chr5-131977884-G-T.
Other names: short protein forms R1256L.
Identifiers: ClinVar variation 864291 (VCV000864291.10), dbSNP rs786203127, ClinGen allele CA360935639.
Genomic context (GRCh38, chr5:132,642,192, plus strand): 5'-GGGTTATGCTCTTTACTAATAATATGTTCTGAATATATTGTTGCAGGATAATAAAAAGTC[G>T]CTCACAGCAGCGTAACTTCCAGCTTCTGGTAATCACTCATGATGAAGATTTTGTGGAGCT-3'
Protein context (NP_005723.2, residues 1246-1266): AHALVEIIKS[Arg1256Leu]SQQRNFQLLV

ClinVar aggregate classification (germline): Uncertain significance (1 of 4 stars; one submission).

Conditions:
Hereditary cancer-predisposing syndrome. Also called: Hereditary Cancer Syndrome; Tumor predisposition; Neoplastic Syndromes, Hereditary; Hereditary neoplastic syndrome. Identifiers: Orphanet 140162, MedGen C0027672, MeSH D009386, MONDO:0015356.

Submission:

Labcorp Genetics (formerly Invitae), Labcorp
Classification: Uncertain significance for Hereditary cancer-predisposing syndrome. Last evaluated: 2019-02-24. Review status: criteria provided, single submitter. Criteria: Invitae Variant Classification Sherloc (09022015). Collection method: clinical testing. Allele origin: germline.
Comment: In summary, the available evidence is currently insufficient to determine the role of this variant in disease. Therefore, it has been classified as a Variant of Uncertain Significance. Algorithms developed to predict the effect of missense changes on protein structure and function are either unavailable or do not agree on the potential impact of this missense change (SIFT: "Deleterious"; PolyPhen-2: "Probably Damaging"; Align-GVGD: "Class C0"). This variant has not been reported in the literature in individuals with RAD50-related conditions. This variant is not present in population databases (ExAC no frequency). This sequence change replaces arginine with leucine at codon 1256 of the RAD50 protein (p.Arg1256Leu). The arginine residue is highly conserved and there is a moderate physicochemical difference between arginine and leucine.